The following is an entry in ClinVar:

NM_206933.4(USH2A):c.1487C>T (p.Thr496Ile)

Gene: USH2A (usherin; minus strand). Cytogenetic location: 1q41.
Variant type: single nucleotide variant.
Coding change: c.1487C>T on transcript NM_206933.4 (MANE Select); coding-DNA position 1487, C replaced by T.
Protein change: p.Thr496Ile; replaces threonine 496 with isoleucine.
Molecular consequence: missense variant.
Genome position (GRCh38, 1-based): chr1:216,323,537, G>A on the plus strand (C>T on the coding strand, the complement: USH2A is on the minus strand). VCF-style: chr1-216323537-G-A. GRCh37 (hg19) VCF-style: chr1-216496879-G-A.
Other names: c.1487C>T, p.Thr496Ile (NM_007123.6); short protein forms T496I.
Identifiers: ClinVar variation 1714175 (VCV001714175.3), dbSNP rs2527433710, ClinGen allele CA344909743.

ClinVar aggregate classification (germline): Uncertain significance (1 of 4 stars; one submission).

Submission:

Labcorp Genetics (formerly Invitae), Labcorp
Classification: Uncertain significance. Last evaluated: 2022-07-29. Review status: criteria provided, single submitter. Criteria: Invitae Variant Classification Sherloc (09022015). Collection method: clinical testing. Allele origin: germline.
Comment: This sequence change replaces threonine, which is neutral and polar, with isoleucine, which is neutral and non-polar, at codon 496 of the USH2A protein (p.Thr496Ile). This variant is not present in population databases (gnomAD no frequency). This variant has not been reported in the literature in individuals affected with USH2A-related conditions. Algorithms developed to predict the effect of missense changes on protein structure and function are either unavailable or do not agree on the potential impact of this missense change (SIFT: "Deleterious"; PolyPhen-2: "Benign"; Align-GVGD: "Class C0"). In summary, the available evidence is currently insufficient to determine the role of this variant in disease. Therefore, it has been classified as a Variant of Uncertain Significance.